The following is an entry in ClinVar:

NM_002900.3(RBP3):c.3354dup (p.Val1119fs)

Gene: RBP3 (retinol binding protein 3; plus strand). Cytogenetic location: 10q11.22.
Variant type: Duplication.
Coding change: c.3354dup on transcript NM_002900.3 (MANE Select); coding-DNA position 3354, one base duplicated (T; older notation c.3354dupT).
Protein change: p.Val1119fs; shifts the reading frame from valine 1119.
Molecular consequence: frameshift variant.
Genome position (GRCh38, 1-based): chr10:47,355,484, T duplicated. VCF-style (leftmost placement, unchanged base first): chr10-47355483-C-CT. GRCh37 (hg19) VCF-style: chr10-48383877-C-CA.
Other names: short protein forms V1119fs.
Identifiers: ClinVar variation 2630148 (VCV002630148.1), dbSNP rs781793052, ClinGen allele CA5487074.

ClinVar aggregate classification (germline): Likely pathogenic (1 of 4 stars; one submission).

Conditions:
RBP3-related disorder. Also called: RBP3-related condition.

Allele frequency attached by ClinVar (database versions not stated): gnomAD exomes below 0.00001; ExAC 0.00001.

Submission:

PreventionGenetics, part of Exact Sciences
Classification: Likely pathogenic for RBP3-related condition. Last evaluated: 2023-02-22. Review status: criteria provided, single submitter. Criteria: ACMG Guidelines, 2015. Collection method: clinical testing. Allele origin: germline.
Comment: The RBP3 c.3354dupT variant is predicted to result in a frameshift and premature protein termination (p.Val1119Cysfs*3). To our knowledge, this variant has not been reported in the literature. This variant is reported in 0.0054% of alleles in individuals of East Asian descent in gnomAD. Frameshift variants in RBP3 are expected to be pathogenic. This variant is interpreted as likely pathogenic.